The following is an entry in ClinVar:

ClinVar aggregate classification (germline): Uncertain significance. Review status: criteria provided, multiple submitters, no conflicts (2 of 4 stars). 3 submissions from 3 submitters: Uncertain significance (3). Last evaluated 2025-10-31.

Conditions:
Hereditary cancer-predisposing syndrome. Also called: Neoplastic Syndromes, Hereditary; Hereditary Cancer Syndrome; Tumor predisposition; Hereditary neoplastic syndrome. Identifiers: Orphanet 140162, MedGen C0027672, MeSH D009386, MONDO:0015356.
Ataxia-telangiectasia syndrome (AT). Also called: Ataxia-telangiectasia, complementation group D; AT, COMPLEMENTATION GROUP C; Ataxia-telangiectasia; ATAXIA-TELANGIECTASIA, COMPLEMENTATION GROUP A; ATAXIA-TELANGIECTASIA, FRESNO VARIANT; Ataxia-telangiectasia, complementation group E. Identifiers: Orphanet 100, MedGen C0004135, MONDO:0008840, OMIM 208900.

Submissions (3):

Ambry Genetics
Classification: Uncertain significance for Hereditary cancer-predisposing syndrome. Last evaluated: 2025-10-31. Review status: criteria provided, single submitter. Criteria: Ambry Variant Classification Scheme 2023. Collection method: clinical testing. Allele origin: germline.
Comment: The p.L2890V variant (also known as c.8668C>G), located in coding exon 58 of the ATM gene, results from a C to G substitution at nucleotide position 8668. The leucine at codon 2890 is replaced by valine, an amino acid with highly similar properties. This amino acid position is highly conserved in available vertebrate species. In addition, the in silico prediction for this alteration is inconclusive. Based on the available evidence, the clinical significance of this variant remains unclear.

Labcorp Genetics (formerly Invitae), Labcorp
Classification: Uncertain significance for Ataxia-telangiectasia syndrome. Last evaluated: 2025-07-09. Review status: criteria provided, single submitter. Criteria: Invitae Variant Classification Sherloc (09022015). Collection method: clinical testing. Allele origin: germline.
Comment: This sequence change replaces leucine, which is neutral and non-polar, with valine, which is neutral and non-polar, at codon 2890 of the ATM protein (p.Leu2890Val). This variant is not present in population databases (gnomAD no frequency). This variant has not been reported in the literature in individuals affected with ATM-related conditions. ClinVar contains an entry for this variant (Variation ID: 127462). Invitae Evidence Modeling of protein sequence and biophysical properties (such as structural, functional, and spatial information, amino acid conservation, physicochemical variation, residue mobility, and thermodynamic stability) indicates that this missense variant is not expected to disrupt ATM protein function with a negative predictive value of 95%. In summary, the available evidence is currently insufficient to determine the role of this variant in disease. Therefore, it has been classified as a Variant of Uncertain Significance.

GeneDx
Classification: Uncertain significance. Last evaluated: 2018-09-21. Review status: criteria provided, single submitter. Criteria: GeneDx Variant Classification (06012015). Collection method: clinical testing. Allele origin: germline. Affected: yes.
Comment: This variant is denoted ATM c.8668C>G at the cDNA level, p.Leu2890Val (L2890V) at the protein level, and results in the change of a Leucine to a Valine (CTA>GTA). This variant has been reported as a somatic mutation in lymphoid neoplasms, but has not been reported as a germline pathogenic variant or benign variant to our knowledge (COSMIC, Skowronska 2012, Navrkalova 2013). ATM Leu2890Val was not observed in approximately 6,500 individuals of European and African American ancestry in the NHLBI Exome Sequencing Project, indicating it is not a common benign variant in these populations. Since Leucine and Valine share similar properties, this is considered a conservative amino acid substitution and is unlikely to affect protein integrity. ATM Leu2890Val occurs at a position that is well conserved across species and is located in the kinase domain. In silico analyses predict that this variant is probably damaging to protein structure and function. Based on the currently available information, we consider ATM Leu2890Val to be a variant of uncertain significance. This variant appears to be mosaic, as the variant allele was present but underrepresented in comparison to the normal allele. This result was confirmed using alternate, non-overlapping primers, making it unlikely that this result is due to preferential amplification of the normal allele. Therefore, this variant is interpreted to be present in some, but not all, cells in this peripheral blood specimen. Neither Sanger nor Next Generation sequencing is a quantitative test; thus, it is not possible to determine more precisely the level of mosaicism in this specimen. Moreover, the level of mosaicism may be different in other tissues. As somatic mosaicism generally results from a post-zygotic event, parents and siblings are not likely at risk to carry this mosaic mutation. Germline mosaicism and transmission to the offspring of this patient, however, cannot be excluded.

NM_000051.4(ATM):c.8668C>G (p.Leu2890Val)

Genes: ATM (ATM serine/threonine kinase; plus strand), C11orf65 (chromosome 11 open reading frame 65; minus strand). Cytogenetic location: 11q22.3.
Variant type: single nucleotide variant.
Coding change: c.8668C>G on transcript NM_000051.4 (MANE Select); coding-DNA position 8668, C replaced by G.
Protein change: p.Leu2890Val; replaces leucine 2890 with valine.
Molecular consequence: missense variant. On other transcripts: intron variant (2).
Genome position (GRCh38, 1-based): chr11:108,347,362, C>G. VCF-style: chr11-108347362-C-G. GRCh37 (hg19) VCF-style: chr11-108218089-C-G.
Other names: p.L2890V:CTA>GTA; c.8668C>G, p.Leu2890Val (NM_001351834.2); c.641-38291G>C (NM_001330368.2); c.695-12070G>C (NM_001351110.2); short protein forms L2890V.
Identifiers: ClinVar variation 127462 (VCV000127462.14), dbSNP rs587779874, ClinGen allele CA287027.
Genomic context (GRCh38, chr11:108,347,362, plus strand): 5'-GATAGACATGTACAGAATATCTTGATAAATGAGCAGTCAGCAGAACTTGTACATATAGAT[C>G]TAGGTAAGTAATAAAATCTATGTATCTATTCTTTTTAGTAAATATTTGGTCATCATGGAA-3'
Protein context (NP_000042.3, residues 2880-2900): EQSAELVHID[Leu2890Val]GVAFEQGKIL